The following is an entry in ClinVar:

ClinVar aggregate classification (germline): Uncertain significance (1 of 4 stars; one submission).

Allele frequency attached by ClinVar (database versions not stated): TOPMed 0.00001; ESP Exome Variant Server 0.00008; gnomAD 0.00003.

Submission:

Labcorp Genetics (formerly Invitae), Labcorp
Classification: Uncertain significance. Last evaluated: 2025-11-11. Review status: criteria provided, single submitter. Criteria: Invitae Variant Classification Sherloc (09022015). Collection method: clinical testing. Allele origin: germline.
Comment: This sequence change falls in intron 11 of the ELMOD3 gene. It does not directly change the encoded amino acid sequence of the ELMOD3 protein. This variant is present in population databases (rs371242294, gnomAD 0.004%). This variant has not been reported in the literature in individuals affected with ELMOD3-related conditions. ClinVar contains an entry for this variant (Variation ID: 2980426). Algorithms developed to predict the effect of sequence changes on RNA splicing suggest that this variant may disrupt the consensus splice site. In summary, the available evidence is currently insufficient to determine the role of this variant in disease. Therefore, it has been classified as a Variant of Uncertain Significance.

NM_001135022.2(ELMOD3):c.608-14G>A

Gene: ELMOD3 (ELMO domain containing 3; plus strand). Cytogenetic location: 2p11.2.
Variant type: single nucleotide variant.
Coding change: c.608-14G>A on transcript NM_001135022.2 (MANE Select); 14 bases into the intron before coding-DNA position 608, G replaced by A.
Molecular consequence: intron variant.
Genome position (GRCh38, 1-based): chr2:85,377,330, G>A. VCF-style: chr2-85377330-G-A. GRCh37 (hg19) VCF-style: chr2-85604453-G-A.
Other names: c.608-14G>A (NM_001329791.2, NM_001135021.2, NM_001135023.2 and 3 more transcripts).
Identifiers: ClinVar variation 2980426 (VCV002980426.3), dbSNP rs371242294, ClinGen allele CA1740409.